The following is an entry in ClinVar:

ClinVar aggregate classification (germline): Uncertain significance (1 of 4 stars; one submission).

Conditions:
Cryptosporidiosis-chronic cholangitis-liver disease syndrome. Also called: Immunodeficiency type 56; IL21R immunodeficiency. Identifiers: Orphanet 357329, MedGen C3554687, MONDO:0014082, OMIM 615207.

Allele frequency attached by ClinVar (database versions not stated): gnomAD exomes 0.00001; TOPMed 0.00004; gnomAD 0.00005 and 0.00006.
gnomAD v4.1: 18 of 1,612,828 alleles (0.0011%); highest among the groups gnomAD compares: African/African-American, 0.012%; no homozygotes.

Submission:

Labcorp Genetics (formerly Invitae), Labcorp
Classification: Uncertain significance for Cryptosporidiosis-chronic cholangitis-liver disease syndrome. Last evaluated: 2021-05-26. Review status: criteria provided, single submitter. Criteria: Invitae Variant Classification Sherloc (09022015). Collection method: clinical testing. Allele origin: germline.
Comment: This sequence change replaces glutamic acid with lysine at codon 513 of the IL21R protein (p.Glu513Lys). The glutamic acid residue is highly conserved and there is a small physicochemical difference between glutamic acid and lysine. This variant is not present in population databases (ExAC no frequency). This variant has not been reported in the literature in individuals with IL21R-related conditions. Algorithms developed to predict the effect of missense changes on protein structure and function are either unavailable or do not agree on the potential impact of this missense change (SIFT: "Tolerated"; PolyPhen-2: "Possibly Damaging"; Align-GVGD: "Class C0"). In summary, the available evidence is currently insufficient to determine the role of this variant in disease. Therefore, it has been classified as a Variant of Uncertain Significance.

NM_181078.3(IL21R):c.1537G>A (p.Glu513Lys)

Genes: IL21R (interleukin 21 receptor; plus strand), IL21R-AS1 (IL21R antisense RNA 1; minus strand), LOC130058713 (ATAC-STARR-seq lymphoblastoid active region 10627; plus strand). Cytogenetic location: 16p12.1.
Variant type: single nucleotide variant.
Coding change: c.1537G>A on transcript NM_181078.3 (MANE Select); coding-DNA position 1537, G replaced by A.
Protein change: p.Glu513Lys; replaces glutamic acid 513 with lysine.
Molecular consequence: missense variant. On other transcripts: non-coding transcript variant (1).
Genome position (GRCh38, 1-based): chr16:27,449,203, G>A. VCF-style: chr16-27449203-G-A. GRCh37 (hg19) VCF-style: chr16-27460524-G-A.
Other names: c.1537G>A, p.Glu513Lys (NM_021798.4); c.1603G>A, p.Glu535Lys (NM_181079.5); short protein forms E513K, E535K.
Identifiers: ClinVar variation 961384 (VCV000961384.8), dbSNP rs1009136590, ClinGen allele CA279702217.
Genomic context (GRCh38, chr16:27,449,203, plus strand): 5'-GGCTTTGTGGGCTCTGACTGCAGCAGCCCTGTGGAGTGTGACTTCACCAGCCCCGGGGAC[G>A]AAGGACCCCCCCGGAGCTACCTCCGCCAGTGGGTGGTCATTCCTCCGCCACTTTCGAGCC-3'
Protein context (NP_851564.1, residues 503-523): VECDFTSPGD[Glu513Lys]GPPRSYLRQW